The following is an entry in ClinVar:

NM_201624.3(USP33):c.1814C>T (p.Pro605Leu)

Gene: USP33 (ubiquitin specific peptidase 33; minus strand). Cytogenetic location: 1p31.1.
Variant type: single nucleotide variant.
Coding change: c.1814C>T on transcript NM_201624.3 (MANE Select); coding-DNA position 1814, C replaced by T.
Protein change: p.Pro605Leu; replaces proline 605 with leucine.
Molecular consequence: missense variant.
Genome position (GRCh38, 1-based): chr1:77,717,971, G>A on the plus strand (C>T on the coding strand, the complement: USP33 is on the minus strand). VCF-style: chr1-77717971-G-A. GRCh37 (hg19) VCF-style: chr1-78183656-G-A.
Other names: c.1883C>T, p.Pro628Leu (NM_001377430.1, NM_201626.3); c.1790C>T, p.Pro597Leu (NM_001377431.1, NM_001377436.1, NM_001377437.1); c.1907C>T, p.Pro636Leu (NM_001377432.1, NM_001377433.1, NM_015017.5); c.1814C>T, p.Pro605Leu (NM_001377434.1, NM_001377435.1); c.1370C>T, p.Pro457Leu (NM_001377438.1, NM_001377439.1); c.1907C>T (NM_015017.3); short protein forms P457L, P597L, P605L, P628L, P636L.
Identifiers: ClinVar variation 2638891 (VCV002638891.24), dbSNP rs552478846, ClinGen allele CA917486.

ClinVar aggregate classification (germline): Uncertain significance. Review status: criteria provided, multiple submitters, no conflicts (2 of 4 stars). 2 submissions from 2 submitters: Uncertain significance (2). Last evaluated 2025-10-24.

Allele frequency attached by ClinVar (database versions not stated): gnomAD 0.00001; ExAC 0.00002; gnomAD exomes 0.00002.
gnomAD v4.1: 29 of 1,613,724 alleles (0.0018%); highest among the groups gnomAD compares: East Asian, 0.0022%; no homozygotes.

Submissions (2):

Ambry Genetics
Classification: Uncertain significance. Last evaluated: 2025-10-24. Review status: criteria provided, single submitter. Criteria: Ambry Variant Classification Scheme 2023. Collection method: clinical testing. Allele origin: germline.

CeGaT Center for Human Genetics Tuebingen
Classification: Uncertain significance. Last evaluated: 2022-11-01. Review status: criteria provided, single submitter. Criteria: CeGaT Center For Human Genetics Tuebingen Variant Classification Criteria Version 2. Collection method: clinical testing. Allele origin: germline. Affected: yes. Observed: 1 variant allele.
Comment: USP33: PP3